The following is an entry in ClinVar:

NM_000384.3(APOB):c.9950T>G (p.Leu3317Arg)

Gene: APOB (apolipoprotein B; minus strand). Cytogenetic location: 2p24.1.
Variant type: single nucleotide variant.
Coding change: c.9950T>G on transcript NM_000384.3 (MANE Select); coding-DNA position 9950, T replaced by G.
Protein change: p.Leu3317Arg; replaces leucine 3317 with arginine.
Molecular consequence: missense variant.
Genome position (GRCh38, 1-based): chr2:21,006,918, A>C on the plus strand (T>G on the coding strand, the complement: APOB is on the minus strand). VCF-style: chr2-21006918-A-C. GRCh37 (hg19) VCF-style: chr2-21229790-A-C.
Other names: short protein forms L3317R.
Identifiers: ClinVar variation 4975115 (VCV004975115.1).

ClinVar aggregate classification (germline): Uncertain significance (1 of 4 stars; one submission).

gnomAD v4.1: 1 of 1,614,002 alleles (0.000062%); highest among the groups gnomAD compares: African/African-American, 0.0013%; no homozygotes.

Submission:

GeneDx
Classification: Uncertain significance. Last evaluated: 2026-01-27. Review status: criteria provided, single submitter. Criteria: GeneDx Variant Classification Process June 2021. Collection method: clinical testing. Allele origin: germline.
Comment: Not observed at significant frequency in large population cohorts (gnomAD); In silico analysis supports that this missense variant has a deleterious effect on protein structure/function; Has not been previously published as pathogenic or benign to our knowledge